The following is an entry in ClinVar:

NM_000313.4(PROS1):c.1084C>T (p.Gln362Ter)

Gene: PROS1 (protein S; minus strand). Cytogenetic location: 3q11.1.
Variant type: single nucleotide variant.
Coding change: c.1084C>T on transcript NM_000313.4 (MANE Select); coding-DNA position 1084, C replaced by T.
Protein change: p.Gln362Ter; replaces glutamine 362 with a stop codon.
Molecular consequence: nonsense.
Genome position (GRCh38, 1-based): chr3:93,893,004, G>A on the plus strand (C>T on the coding strand, the complement: PROS1 is on the minus strand). VCF-style: chr3-93893004-G-A. GRCh37 (hg19) VCF-style: chr3-93611848-G-A.
Other names: c.1180C>T, p.Gln394Ter (NM_001314077.2); short protein forms Q362*, Q394*.
Identifiers: ClinVar variation 1069092 (VCV001069092.5), dbSNP rs1559931820, ClinGen allele CA353672235.

ClinVar aggregate classification (germline): Pathogenic (1 of 4 stars; one submission).

Conditions:
Thrombophilia due to protein S deficiency, autosomal recessive (THPH6). Identifiers: Orphanet 743, MedGen C3281092, MONDO:0013791, OMIM 614514. Disease mechanism: loss of function.

Submission:

Labcorp Genetics (formerly Invitae), Labcorp
Classification: Pathogenic for Thrombophilia due to protein S deficiency, autosomal recessive. Last evaluated: 2020-02-17. Review status: criteria provided, single submitter. Criteria: Invitae Variant Classification Sherloc (09022015). Collection method: clinical testing. Allele origin: germline.
Comment: This variant has not been reported in the literature in individuals with PROS1-related conditions. This variant is not present in population databases (ExAC no frequency). This sequence change creates a premature translational stop signal (p.Gln362*) in the PROS1 gene. It is expected to result in an absent or disrupted protein product. Loss-of-function variants in PROS1 are known to be pathogenic (PMID: 9241758). For these reasons, this variant has been classified as Pathogenic.

Literature cited by the submitters: PubMed 9241758.